The following is an entry in ClinVar:

ClinVar aggregate classification (germline): Uncertain significance (1 of 4 stars; one submission).

Submission:

Labcorp Genetics (formerly Invitae), Labcorp
Classification: Uncertain significance. Last evaluated: 2022-07-12. Review status: criteria provided, single submitter. Criteria: Invitae Variant Classification Sherloc (09022015). Collection method: clinical testing. Allele origin: germline.
Comment: This sequence change replaces cysteine, which is neutral and slightly polar, with valine, which is neutral and non-polar, at codon 947 of the CACNA1B protein (p.Cys947Val). Information on the frequency of this variant in the gnomAD database is not available, as this variant may be reported differently in the database. This variant has not been reported in the literature in individuals affected with CACNA1B-related conditions. Algorithms developed to predict the effect of missense changes on protein structure and function are either unavailable or do not agree on the potential impact of this missense change (SIFT: "Not Available"; PolyPhen-2: "Benign"; Align-GVGD: "Not Available"). In summary, the available evidence is currently insufficient to determine the role of this variant in disease. Therefore, it has been classified as a Variant of Uncertain Significance.

NM_000718.4(CACNA1B):c.2839_2840delinsGT (p.Cys947Val)

Gene: CACNA1B (calcium voltage-gated channel subunit alpha1 B; plus strand). Cytogenetic location: 9q34.3.
Variant type: Indel.
Coding change: c.2839_2840delinsGT on transcript NM_000718.4 (MANE Select); coding-DNA positions 2839 to 2840, TG replaced by GT.
Protein change: p.Cys947Val; replaces cysteine 947 with valine.
Molecular consequence: missense variant.
Genome position (GRCh38, 1-based): chr9:138,023,582-138,023,583, TG replaced by GT. VCF-style: chr9-138023582-TG-GT. GRCh37 (hg19) VCF-style: chr9-140918034-TG-GT.
Other names: c.2839_2840delinsGT, p.Cys947Val (NM_001243812.2); short protein forms C947V.
Identifiers: ClinVar variation 1910348 (VCV001910348.2), dbSNP rs2539375063, ClinGen allele CA2580081118.